The following is an entry in ClinVar:

ClinVar aggregate classification (germline): Uncertain significance (1 of 4 stars; one submission).

Conditions:
Cardiovascular phenotype. Identifiers: MedGen CN230736.

Submission:

Ambry Genetics
Classification: Uncertain significance for Cardiovascular phenotype. Last evaluated: 2021-12-10. Review status: criteria provided, single submitter. Criteria: Ambry Variant Classification Scheme 2023. Collection method: clinical testing. Allele origin: germline.
Comment: The c.4653_4655delGGAinsCCTCCT variant (also known as p.E1552delinsLL), located in coding exon 32 of the MYH7 gene, results from an in-frame deletion of GGA and insertion of CCTCCT at nucleotide positions 4653 to 4655. This results in the substitution of the glutamic acid residue for two leucine residues at codon 1552. This amino acid position is highly conserved in available vertebrate species. In addition, this alteration is predicted to be deleterious by in silico analysis (Choi Y et al. PLoS ONE. 2012; 7(10):e46688). Since supporting evidence is limited at this time, the clinical significance of this alteration remains unclear.

NM_000257.4(MYH7):c.4653_4655delinsCCTCCT (p.Glu1552delinsLeuLeu)

Genes: MHRT (myosin heavy chain associated RNA transcript; plus strand), MYH7 (myosin heavy chain 7; minus strand), LOC126861897 (BRD4-independent group 4 enhancer GRCh37_chr14:23884455-23885654; plus strand). Cytogenetic location: 14q11.2.
Variant type: Indel.
Coding change: c.4653_4655delinsCCTCCT on transcript NM_000257.4 (MANE Select); coding-DNA positions 4653 to 4655, GGA replaced by CCTCCT.
Protein change: p.Glu1552delinsLeuLeu.
Molecular consequence: inframe indel.
Genome position (GRCh38, 1-based): chr14:23,416,302-23,416,304, TCC replaced by AGGAGG on the plus strand (GGA replaced by CCTCCT on the coding strand, the reverse complement: MYH7 is on the minus strand). VCF-style: chr14-23416302-TCC-AGGAGG. GRCh37 (hg19) VCF-style: chr14-23885511-TCC-AGGAGG.
Other names: c.4653_4655delGGAinsCCTCCT, p.Glu1552delinsLeuLeu (NM_001407004.1); c.4653_4655delGGAinsCCTCCT (NM_000257.4).
Identifiers: ClinVar variation 1742195 (VCV001742195.2), dbSNP rs2502245943, ClinGen allele CA2580087886.